The following is an entry in ClinVar:

NM_014845.6(FIG4):c.101C>T (p.Thr34Met)

Gene: FIG4 (FIG4 phosphoinositide 5-phosphatase; plus strand). Cytogenetic location: 6q21.
Variant type: single nucleotide variant.
Coding change: c.101C>T on transcript NM_014845.6 (MANE Select); coding-DNA position 101, C replaced by T.
Protein change: p.Thr34Met; replaces threonine 34 with methionine.
Molecular consequence: missense variant.
Genome position (GRCh38, 1-based): chr6:109,715,112, C>T. VCF-style: chr6-109715112-C-T. GRCh37 (hg19) VCF-style: chr6-110036315-C-T.
Other names: short protein forms T34M.
Identifiers: ClinVar variation 476850 (VCV000476850.26), dbSNP rs375691683, ClinGen allele CA3955670.
Genomic context (GRCh38, chr6:109,715,112, plus strand): 5'-CTAATGACATTCCTTTTTATTTATAGAGATACTTTCTAGTTGGGAGCAATAATGCAGAAA[C>T]GAAATATCGTGTCTTGAAGATTGATAGAACAGAACCAAAAGATTTGGTCATAATTGATGA-3'
Protein context (NP_055660.1, residues 24-44): YFLVGSNNAE[Thr34Met]KYRVLKIDRT

ClinVar aggregate classification (germline): Uncertain significance. Review status: criteria provided, multiple submitters, no conflicts (2 of 4 stars). 7 submissions from 7 submitters: Uncertain significance (6). 1 of the submissions does not count toward it. Last evaluated 2025-11-20.

Conditions:
Inborn genetic diseases. Identifiers: MedGen C0950123, MeSH D030342.
Charcot-Marie-Tooth disease type 4. Also called: Charcot-Marie-Tooth, Type 4; Charcot-Marie-Tooth disease, type IV. Identifiers: Orphanet 64749, MedGen C4082197, MONDO:0018995.
FIG4-related disorder. Also called: FIG4-related condition; FIG4-related disorders.

Allele frequency attached by ClinVar (database versions not stated): gnomAD 0.00007 and 0.00008; TOPMed 0.00007; ESP Exome Variant Server 0.00008; gnomAD exomes 0.00010 and 0.00012; ExAC 0.00012.
gnomAD v4.1: 180 of 1,603,670 alleles (0.011%); highest among the groups gnomAD compares: Non-Finnish European, 0.014%; no homozygotes.

Submissions (7):

Dasa
Classification: Uncertain significance. Last evaluated: 2025-11-20. Review status: criteria provided, single submitter. Criteria: DASA Assertion Criteria. Collection method: clinical testing. Allele origin: germline.
Comment: NM_014845.6(FIG4):c.101C>T (p.Thr34Met) is a missense variant that results in the substitution of threonine with methionine. This variant is rare in population databases. The currently available literature and clinical evidence are not sufficient to establish a definitive association between this variant and the reported condition. Therefore, this variant is classified as a variant of uncertain significance.

Labcorp Genetics (formerly Invitae), Labcorp
Classification: Uncertain significance for Charcot-Marie-Tooth disease type 4. Last evaluated: 2022-07-30. Review status: criteria provided, single submitter. Criteria: Invitae Variant Classification Sherloc (09022015). Collection method: clinical testing. Allele origin: germline.
Comment: This sequence change replaces threonine, which is neutral and polar, with methionine, which is neutral and non-polar, at codon 34 of the FIG4 protein (p.Thr34Met). This variant is present in population databases (rs375691683, gnomAD 0.02%). This variant has not been reported in the literature in individuals affected with FIG4-related conditions. ClinVar contains an entry for this variant (Variation ID: 476850). Algorithms developed to predict the effect of missense changes on protein structure and function are either unavailable or do not agree on the potential impact of this missense change (SIFT: "Deleterious"; PolyPhen-2: "Probably Damaging"; Align-GVGD: "Class C0"). In summary, the available evidence is currently insufficient to determine the role of this variant in disease. Therefore, it has been classified as a Variant of Uncertain Significance.

Ambry Genetics
Classification: Uncertain significance for Inborn genetic diseases. Last evaluated: 2020-09-02. Review status: criteria provided, single submitter. Criteria: Ambry Variant Classification Scheme 2023. Collection method: clinical testing. Allele origin: germline.
Comment: The p.T34M variant (also known as c.101C>T), located in coding exon 2 of the FIG4 gene, results from a C to T substitution at nucleotide position 101. The threonine at codon 34 is replaced by methionine, an amino acid with similar properties. This amino acid position is highly conserved in available vertebrate species. In addition, this alteration is predicted to be deleterious by in silico analysis. Since supporting evidence is limited at this time, the clinical significance of this alteration remains unclear.

GeneDx
Classification: Uncertain significance. Last evaluated: 2019-12-30. Review status: criteria provided, single submitter. Criteria: GeneDx Variant Classification Process June 2021. Collection method: clinical testing. Allele origin: germline. Affected: yes.
Comment: In silico analysis, which includes protein predictors and evolutionary conservation, supports a deleterious effect; Observed as a single heterozygous variant in an individual who underwent panel genetic testing for Charcot-Marie-Tooth disease; further detailed clinical information was not specified in this report (Nicholson et al., 2011); This variant is associated with the following publications: (PMID: 21705420)

Mayo Clinic Laboratories, Mayo Clinic
Classification: Uncertain significance. Last evaluated: 2019-06-23. Review status: criteria provided, single submitter. Criteria: ACMG Guidelines, 2015. Collection method: clinical testing. Allele origin: germline. Observed: 1 variant allele.

ARUP Laboratories, Molecular Genetics and Genomics, ARUP Laboratories
Classification: Uncertain significance. Last evaluated: 2017-11-21. Review status: criteria provided, single submitter. Criteria: ARUP Molecular Germline Variant Investigation Process. Collection method: clinical testing. Allele origin: germline.
Comment: The p.Thr34Met variant (rs375691683) has not been reported in the medical literature, gene specific variation databases, nor has it been previously identified by our laboratory. This variant is listed in the Genome Aggregation Database (gnomAD) with an overall population frequency of 0.01 percent (identified on 27 out of 276,426 chromosomes).The threonine at position 34 is highly conserved considering 12 species (Alamut v2.10) and computational analyses of the effects of the p.Thr34Met variant on protein structure and function indicate a deleterious effect (SIFT: damaging, MutationTaster: disease causing, PolyPhen-2: probably damaging). Altogether, there is not enough evidence to classify the p.Thr34Met variant with certainty.

PreventionGenetics, part of Exact Sciences
Classification: Uncertain significance for FIG4-related condition. Last evaluated: 2024-08-29. Review status: no assertion criteria provided. Collection method: clinical testing. Allele origin: germline. Not counted in ClinVar's aggregate classification.
Comment: The FIG4 c.101C>T variant is predicted to result in the amino acid substitution p.Thr34Met. To our knowledge, this variant has not been reported in the literature. This variant is reported in 0.016% of alleles in individuals of European (non-Finnish) descent in gnomAD. Although we suspect this variant may be benign. At this time, the clinical significance of this variant is uncertain due to the absence of conclusive functional and genetic evidence.